The following is an entry in ClinVar:

NM_022114.4(PRDM16):c.3379G>A (p.Glu1127Lys)

Gene: PRDM16 (PR/SET domain 16; plus strand). Cytogenetic location: 1p36.32.
Variant type: single nucleotide variant.
Coding change: c.3379G>A on transcript NM_022114.4 (MANE Select); coding-DNA position 3379, G replaced by A.
Protein change: p.Glu1127Lys; replaces glutamic acid 1127 with lysine.
Molecular consequence: missense variant.
Genome position (GRCh38, 1-based): chr1:3,430,966, G>A. VCF-style: chr1-3430966-G-A. GRCh37 (hg19) VCF-style: chr1-3347530-G-A.
Other names: c.3379G>A, p.Glu1127Lys (NM_199454.3); c.3379G>A (NM_022114.3); short protein forms E1127K.
Identifiers: ClinVar variation 1418100 (VCV001418100.7), dbSNP rs746661891, ClinGen allele CA338003979.

ClinVar aggregate classification (germline): Uncertain significance. Review status: criteria provided, multiple submitters, no conflicts (2 of 4 stars). 2 submissions from 2 submitters: Uncertain significance (2). Last evaluated 2024-02-26.

Conditions:
Left ventricular noncompaction 8 (LVNC8). Identifiers: Orphanet 154, Orphanet 54260, MedGen C3809288, MONDO:0014152, OMIM 615373.
Inborn genetic diseases. Identifiers: MedGen C0950123, MeSH D030342.

Allele frequency attached by ClinVar (database versions not stated): gnomAD exomes below 0.00001.
gnomAD v4.1: 1 of 1,612,392 alleles (0.000062%); highest among the groups gnomAD compares: Admixed American, 0.0017%; no homozygotes.

Submissions (2):

Ambry Genetics
Classification: Uncertain significance for Inborn genetic diseases. Last evaluated: 2024-02-26. Review status: criteria provided, single submitter. Criteria: Ambry Variant Classification Scheme 2023. Collection method: clinical testing. Allele origin: germline.

Labcorp Genetics (formerly Invitae), Labcorp
Classification: Uncertain significance for Left ventricular noncompaction 8. Last evaluated: 2023-07-14. Review status: criteria provided, single submitter. Criteria: Invitae Variant Classification Sherloc (09022015). Collection method: clinical testing. Allele origin: germline.
Comment: In summary, the available evidence is currently insufficient to determine the role of this variant in disease. Therefore, it has been classified as a Variant of Uncertain Significance. An algorithm developed to predict the effect of missense changes on protein structure and function (PolyPhen-2) suggests that this variant is likely to be disruptive. ClinVar contains an entry for this variant (Variation ID: 1418100). This variant has not been reported in the literature in individuals affected with PRDM16-related conditions. This variant is not present in population databases (gnomAD no frequency). This sequence change replaces glutamic acid, which is acidic and polar, with lysine, which is basic and polar, at codon 1127 of the PRDM16 protein (p.Glu1127Lys).